The following is an entry in ClinVar:

NM_001042492.3(NF1):c.6186C>T (p.Cys2062=)

Gene: NF1 (neurofibromin 1; plus strand). Cytogenetic location: 17q11.2.
Variant type: single nucleotide variant.
Coding change: c.6186C>T on transcript NM_001042492.3 (MANE Select); coding-DNA position 6186, C replaced by T.
Protein change: p.Cys2062=; no amino-acid change (cysteine 2062 retained).
Molecular consequence: synonymous variant.
Genome position (GRCh38, 1-based): chr17:31,336,673, C>T. VCF-style: chr17-31336673-C-T. GRCh37 (hg19) VCF-style: chr17-29663691-C-T.
Other names: c.6123C>T, p.Cys2041= (NM_000267.4).
Identifiers: ClinVar variation 457781 (VCV000457781.9), dbSNP rs1555534669, ClinGen allele CA499446211.

ClinVar aggregate classification (germline): Benign/Likely benign. Review status: criteria provided, multiple submitters, no conflicts (2 of 4 stars). 3 submissions from 3 submitters: Benign (1); Likely benign (2). Last evaluated 2026-09-28.

Conditions:
Neurofibromatosis, type 1 (NF1). Also called: VON RECKLINGHAUSEN DISEASE; NEUROFIBROMATOSIS, TYPE I, SOMATIC; Neurofibromatosis, type I; Peripheral type neurofibromatosis. Identifiers: Orphanet 636, MedGen C0027831, MONDO:0018975, OMIM 162200. Disease mechanism: loss of function.
Hereditary cancer-predisposing syndrome. Also called: Hereditary Cancer Syndrome; Hereditary neoplastic syndrome; Neoplastic Syndromes, Hereditary; Tumor predisposition. Identifiers: Orphanet 140162, MedGen C0027672, MeSH D009386, MONDO:0015356.
Cardiovascular phenotype. Identifiers: MedGen CN230736.

Submissions (3):

Myriad Genetics, Inc.
Classification: Benign for Neurofibromatosis, type 1. Last evaluated: 2026-09-28. Review status: criteria provided, single submitter. Criteria: Myriad Autosomal Dominant, Autosomal Recessive and X-Linked Classification Criteria (2023). Collection method: clinical testing. Allele origin: unknown.
Comment: This variant is considered benign. This variant is a silent/synonymous amino acid change and it is not expected to impact splicing.

Ambry Genetics
Classification: Likely benign for Cardiovascular phenotype; Hereditary cancer-predisposing syndrome. Last evaluated: 2025-04-20. Review status: criteria provided, single submitter. Criteria: Ambry Variant Classification Scheme 2023. Collection method: clinical testing. Allele origin: germline.

Labcorp Genetics (formerly Invitae), Labcorp
Classification: Likely benign for Neurofibromatosis, type 1. Last evaluated: 2017-04-25. Review status: criteria provided, single submitter. Criteria: Invitae Variant Classification Sherloc (09022015). Collection method: clinical testing. Allele origin: germline.